The following is an entry in ClinVar:

NM_014704.4(CEP104):c.1954G>A (p.Asp652Asn)

Genes: CEP104 (centrosomal protein 104; minus strand), LOC126805586 (CDK7 strongly-dependent group 2 enhancer GRCh37_chr1:3745882-3747081; plus strand). Cytogenetic location: 1p36.32.
Variant type: single nucleotide variant.
Coding change: c.1954G>A on transcript NM_014704.4 (MANE Select); coding-DNA position 1954, G replaced by A.
Protein change: p.Asp652Asn; replaces aspartic acid 652 with asparagine.
Molecular consequence: missense variant.
Genome position (GRCh38, 1-based): chr1:3,829,880, C>T on the plus strand (G>A on the coding strand, the complement: CEP104 is on the minus strand). VCF-style: chr1-3829880-C-T. GRCh37 (hg19) VCF-style: chr1-3746444-C-T.
Other names: c.1954G>A (NM_014704.3); short protein forms D652N.
Identifiers: ClinVar variation 2637466 (VCV002637466.4), dbSNP rs781109605, ClinGen allele CA551462.
Genomic context (GRCh38, chr1:3,829,880, plus strand): 5'-CTATTTTAGCAAATCCCTCAAAAATTGTTTTGTAGAGAATGTTCCTGCGTGTGTTGCTGT[C>T]GTCTGGAGGAAGGTACTCCAGGATGGAAGCCTGGTGCTGTCTGTACATGTCCAAAATAAT-3'
Protein context (NP_055519.1, residues 642-662): ASILEYLPPD[Asp652Asn]SNTRRNILYK

ClinVar aggregate classification (germline): Uncertain significance. Review status: criteria provided, multiple submitters, no conflicts (2 of 4 stars). 2 submissions from 2 submitters: Uncertain significance (2). Last evaluated 2026-05-26.

Conditions:
Inborn genetic diseases. Identifiers: MedGen C0950123, MeSH D030342.

Allele frequency attached by ClinVar (database versions not stated): ExAC 0.00001; TOPMed 0.00002.
gnomAD v4.1: 39 of 1,614,100 alleles (0.0024%); highest among the groups gnomAD compares: Admixed American, 0.0033%; no homozygotes.

Submissions (2):

Women's Health and Genetics/Laboratory Corporation of America, LabCorp
Classification: Uncertain significance. Last evaluated: 2026-05-26. Review status: criteria provided, single submitter. Criteria: LabCorp Variant Classification Summary - May 2015. Collection method: clinical testing. Allele origin: germline.
Comment: Variant summary: CEP104 c.1954G>A (p.Asp652Asn) results in a conservative amino acid change located in the TOG domain (IPR034085) of the encoded protein sequence. Algorithms developed to predict the effect of missense changes on protein structure and function are either unavailable or do not agree on the potential impact of this missense change. The variant allele was found at a frequency of 1.2e-05 in 251492 control chromosomes. The available data on variant occurrences in the general population are insufficient to allow any conclusion about variant significance. To our knowledge, no occurrence of c.1954G>A in individuals affected with CEP104-related conditions and no experimental evidence demonstrating its impact on protein function have been reported. ClinVar contains an entry for this variant (Variation ID: 2637466). Based on the evidence outlined above, the variant was classified as uncertain significance.

Ambry Genetics
Classification: Uncertain significance for Inborn genetic diseases. Last evaluated: 2025-08-13. Review status: criteria provided, single submitter. Criteria: Ambry Variant Classification Scheme 2023. Collection method: clinical testing. Allele origin: germline.